The following is an entry in ClinVar:

ClinVar aggregate classification (germline): Conflicting classifications of pathogenicity. Review status: criteria provided, conflicting classifications (1 of 4 stars). 2 submissions from 2 submitters: Uncertain significance (1); Likely benign (1). Last evaluated 2026-02-01.

Allele frequency attached by ClinVar (database versions not stated): gnomAD 0.00021; ExAC 0.00024; TOPMed 0.00025; gnomAD exomes 0.00031; ESP Exome Variant Server 0.00039.
gnomAD v4.1: 302 of 1,613,738 alleles (0.019%); highest among the groups gnomAD compares: Non-Finnish European, 0.0022%; no homozygotes.

Submissions (2):

Labcorp Genetics (formerly Invitae), Labcorp
Classification: Likely benign. Last evaluated: 2026-02-01. Review status: criteria provided, single submitter. Criteria: Invitae Variant Classification Sherloc (09022015). Collection method: clinical testing. Allele origin: germline.

GeneDx
Classification: Uncertain significance. Last evaluated: 2017-05-30. Review status: criteria provided, single submitter. Criteria: GeneDx Variant Classification (06012015). Collection method: clinical testing. Allele origin: germline. Affected: yes.
Comment: A variant of uncertain significance has been identified in the LTBP4 gene. The V1234M variant has not been published as pathogenic or been reported as benign to our knowledge. However, it has been observed in 29/66306 (0.04%) alleles from individuals of Non-Finnish European ancestry in large population cohorts (Lek et al., 2016; 1000 Genomes Consortium et al., 2015; Exome Variant Server). Although this substitution occurs at a position that is conserved in mammals, V1234M is a conservative amino acid substitution, which is not likely to impact secondary protein structure as these residues share similar properties. Additionally, in silico analysis is inconsistent in its predictions as to whether or not the variant is damaging to the protein structure/function.

NM_001042545.2(LTBP4):c.3610G>A (p.Val1204Met)

Gene: LTBP4 (latent transforming growth factor beta binding protein 4; plus strand). Cytogenetic location: 19q13.2.
Variant type: single nucleotide variant.
Coding change: c.3610G>A on transcript NM_001042545.2 (MANE Select); coding-DNA position 3610, G replaced by A.
Protein change: p.Val1204Met; replaces valine 1204 with methionine.
Molecular consequence: missense variant.
Genome position (GRCh38, 1-based): chr19:40,623,657, G>A. VCF-style: chr19-40623657-G-A. GRCh37 (hg19) VCF-style: chr19-41129562-G-A.
Other names: c.3811G>A, p.Val1271Met (NM_001042544.1); c.3700G>A, p.Val1234Met (NM_003573.2); short protein forms V1204M, V1234M, V1271M.
Identifiers: ClinVar variation 432396 (VCV000432396.13), dbSNP rs200036888, ClinGen allele CA9449063.